The following is an entry in ClinVar:

ClinVar aggregate classification (germline): Pathogenic/Likely pathogenic. Review status: criteria provided, multiple submitters, no conflicts (2 of 4 stars). 2 submissions from 2 submitters: Pathogenic (1); Likely pathogenic (1). Last evaluated 2025-06-17.

Conditions:
Fanconi anemia (FA). Also called: Fanconi's anemia. Identifiers: Orphanet 84, MedGen C0015625, MeSH D005199, MONDO:0019391.
Fanconi anemia complementation group D2. Also called: FANCD2-Related Fanconi Anemia; FANCONI PANCYTOPENIA, TYPE 4; FANCONI ANEMIA, COMPLEMENTATION GROUP D. Identifiers: Orphanet 84, MedGen C3160738, MONDO:0009214, OMIM 227646.

Allele frequency attached by ClinVar (database versions not stated): ExAC 0.00001.

Submissions (2):

Labcorp Genetics (formerly Invitae), Labcorp
Classification: Pathogenic for Fanconi anemia. Last evaluated: 2025-06-17. Review status: criteria provided, single submitter. Criteria: Invitae Variant Classification Sherloc (09022015). Collection method: clinical testing. Allele origin: germline.
Comment: This sequence change creates a premature translational stop signal (p.Gln718*) in the FANCD2 gene. It is expected to result in an absent or disrupted protein product. Loss-of-function variants in FANCD2 are known to be pathogenic (PMID: 17436244). This variant is present in population databases (rs774707377, gnomAD 0.003%). This variant has not been reported in the literature in individuals affected with FANCD2-related conditions. ClinVar contains an entry for this variant (Variation ID: 2675530). For these reasons, this variant has been classified as Pathogenic.

Baylor Genetics
Classification: Likely pathogenic for Fanconi anemia complementation group D2. Last evaluated: 2021-11-29. Review status: criteria provided, single submitter. Criteria: ACMG Guidelines, 2015. Collection method: clinical testing. Allele origin: unknown.

Literature cited by the submitters: PubMed 17436244 (cited by Labcorp Genetics (formerly Invitae), Labcorp).

NM_001018115.3(FANCD2):c.2152C>T (p.Gln718Ter)

Genes: FANCD2 (FA complementation group D2; plus strand), LOC107303338 (3p25 FANCD2 Alu-mediated recombination region; plus strand). Cytogenetic location: 3p25.3.
Variant type: single nucleotide variant.
Coding change: c.2152C>T on transcript NM_001018115.3 (MANE Select); coding-DNA position 2152, C replaced by T.
Protein change: p.Gln718Ter; replaces glutamine 718 with a stop codon.
Molecular consequence: nonsense.
Genome position (GRCh38, 1-based): chr3:10,064,859, C>T. VCF-style: chr3-10064859-C-T. GRCh37 (hg19) VCF-style: chr3-10106543-C-T.
Other names: c.2152C>T, p.Gln718Ter (NM_001319984.2, NM_001374254.1, NM_033084.6); c.2041C>T, p.Gln681Ter (NM_001374253.1); short protein forms Q681*, Q718*.
Identifiers: ClinVar variation 2675530 (VCV002675530.4), dbSNP rs774707377, ClinGen allele CA2249974.
Genomic context (GRCh38, chr3:10,064,859, plus strand): 5'-AACCTCCTGCCGCTGCTGTTTTCTCAGGACTTTGCAAAAGATGGGGGTCCGGTGACCTCA[C>T]AGGAATCAGGCCAAAAGTCAGTATAGTTTTTCTTTTCTAAACCTGTTAGTGTTTTGAATG-3'